The following is an entry in ClinVar:

ClinVar aggregate classification (germline): Uncertain significance (1 of 4 stars; one submission).

Allele frequency attached by ClinVar (database versions not stated): gnomAD exomes 0.00003 and 0.00005; TOPMed 0.00004; ExAC 0.00005; gnomAD 0.00006.
gnomAD v4.1: 48 of 1,612,008 alleles (0.003%); highest among the groups gnomAD compares: Middle Eastern, 0.016%; no homozygotes.

Submission:

Labcorp Genetics (formerly Invitae), Labcorp
Classification: Uncertain significance. Last evaluated: 2023-06-29. Review status: criteria provided, single submitter. Criteria: Invitae Variant Classification Sherloc (09022015). Collection method: clinical testing. Allele origin: germline.
Comment: This sequence change replaces arginine, which is basic and polar, with histidine, which is basic and polar, at codon 354 of the PLAA protein (p.Arg354His). In summary, the available evidence is currently insufficient to determine the role of this variant in disease. Therefore, it has been classified as a Variant of Uncertain Significance. Advanced modeling of protein sequence and biophysical properties (such as structural, functional, and spatial information, amino acid conservation, physicochemical variation, residue mobility, and thermodynamic stability) performed at Invitae indicates that this missense variant is expected to disrupt PLAA protein function. ClinVar contains an entry for this variant (Variation ID: 1399193). This variant has not been reported in the literature in individuals affected with PLAA-related conditions. This variant is present in population databases (rs772440843, gnomAD 0.03%).

NM_001031689.3(PLAA):c.1061G>A (p.Arg354His)

Gene: PLAA (phospholipase A2 activating protein; minus strand). Cytogenetic location: 9p21.2.
Variant type: single nucleotide variant.
Coding change: c.1061G>A on transcript NM_001031689.3 (MANE Select); coding-DNA position 1061, G replaced by A.
Protein change: p.Arg354His; replaces arginine 354 with histidine.
Molecular consequence: missense variant.
Genome position (GRCh38, 1-based): chr9:26,920,363, C>T on the plus strand (G>A on the coding strand, the complement: PLAA is on the minus strand). VCF-style: chr9-26920363-C-T. GRCh37 (hg19) VCF-style: chr9-26920361-C-T.
Other names: c.1061G>A, p.Arg354His (NM_001321546.2); short protein forms R354H.
Identifiers: ClinVar variation 1399193 (VCV001399193.4), dbSNP rs772440843, ClinGen allele CA5014470.
Genomic context (GRCh38, chr9:26,920,363, plus strand): 5'-CACCTCCCTTCACTAACACTCCACTGATAGGCTTCGACTTTCTCCCCATCTCTGATTAGA[C>T]GAGTCTGTCCTTCTCTAGTACCTTAAAATAAAAATTTTAAGAATCAAAGGTAGAATGGCA-3'
Protein context (NP_001026859.1, residues 344-364): NEPGTREGQT[Arg354His]LIRDGEKVEA